The following is an entry in ClinVar:

NM_019892.6(INPP5E):c.1430A>C (p.Asp477Ala)

Gene: INPP5E (inositol polyphosphate-5-phosphatase E; minus strand). Cytogenetic location: 9q34.3.
Variant type: single nucleotide variant.
Coding change: c.1430A>C on transcript NM_019892.6 (MANE Select); coding-DNA position 1430, A replaced by C.
Protein change: p.Asp477Ala; replaces aspartic acid 477 with alanine.
Molecular consequence: missense variant.
Genome position (GRCh38, 1-based): chr9:136,431,943, T>G on the plus strand (A>C on the coding strand, the complement: INPP5E is on the minus strand). VCF-style: chr9-136431943-T-G. GRCh37 (hg19) VCF-style: chr9-139326395-T-G.
Other names: c.1427A>C, p.Asp476Ala (NM_001318502.2); short protein forms D476A, D477A.
Identifiers: ClinVar variation 1315935 (VCV001315935.2), dbSNP rs1835716590, ClinGen allele CA375562560.

ClinVar aggregate classification (germline): Uncertain significance (1 of 4 stars; one submission).

Submission:

GeneDx
Classification: Uncertain significance. Last evaluated: 2019-11-17. Review status: criteria provided, single submitter. Criteria: GeneDx Variant Classification Process June 2021. Collection method: clinical testing. Allele origin: germline. Affected: yes.
Comment: Not observed in large population cohorts (Lek et al., 2016); In silico analysis, which includes protein predictors and evolutionary conservation, supports a deleterious effect; Has not been previously published as pathogenic or benign to our knowledge